The following is an entry in ClinVar:

NM_001376256.1(CRYM):c.485A>G (p.Lys162Arg)

Gene: CRYM (crystallin mu; minus strand). Cytogenetic location: 16p12.2.
Variant type: single nucleotide variant.
Coding change: c.485A>G on transcript NM_001376256.1 (MANE Select); coding-DNA position 485, A replaced by G.
Protein change: p.Lys162Arg; replaces lysine 162 with arginine.
Molecular consequence: missense variant.
Genome position (GRCh38, 1-based): chr16:21,269,794, T>C on the plus strand (A>G on the coding strand, the complement: CRYM is on the minus strand). VCF-style: chr16-21269794-T-C. GRCh37 (hg19) VCF-style: chr16-21281115-T-C.
Other names: c.485A>G, p.Lys162Arg (NM_001888.5); short protein forms K162R.
Identifiers: ClinVar variation 2810057 (VCV002810057.3), dbSNP rs1597617354, ClinGen allele CA395039039.
Genomic context (GRCh38, chr16:21,269,794, plus strand): 5'-ACAGGTCAAGGACCACCCCCTTCCCTCTTCTCTCCCACCCCCACCCCTGGACTTACCTCC[T>C]TAAAGGAGAACTGCTCTGTGAAGATCTCATAATGGCTGTAGGCCTGGACCCCAGCCCCAA-3'
Protein context (NP_001363185.1, residues 152-172): YEIFTEQFSF[Lys162Arg]EVRIWNRTKE

ClinVar aggregate classification (germline): Uncertain significance (1 of 4 stars; one submission).

Submission:

Labcorp Genetics (formerly Invitae), Labcorp
Classification: Uncertain significance. Last evaluated: 2022-10-27. Review status: criteria provided, single submitter. Criteria: Invitae Variant Classification Sherloc (09022015). Collection method: clinical testing. Allele origin: germline.
Comment: In summary, the available evidence is currently insufficient to determine the role of this variant in disease. Therefore, it has been classified as a Variant of Uncertain Significance. Advanced modeling of protein sequence and biophysical properties (such as structural, functional, and spatial information, amino acid conservation, physicochemical variation, residue mobility, and thermodynamic stability) performed at Invitae indicates that this missense variant is not expected to disrupt CRYM protein function. This sequence change replaces lysine, which is basic and polar, with arginine, which is basic and polar, at codon 162 of the CRYM protein (p.Lys162Arg). This variant is not present in population databases (gnomAD no frequency). This variant has not been reported in the literature in individuals affected with CRYM-related conditions.